The following is an entry in ClinVar:

ClinVar aggregate classification (germline): Uncertain significance. Review status: criteria provided, multiple submitters, no conflicts (2 of 4 stars). 2 submissions from 2 submitters: Uncertain significance (2). Last evaluated 2023-08-10.

Allele frequency attached by ClinVar (database versions not stated): gnomAD exomes below 0.00001; ExAC 0.00001; gnomAD 0.00001; TOPMed 0.00001.
gnomAD v4.1: 2 of 1,613,950 alleles (0.00012%); highest among the groups gnomAD compares: African/African-American, 0.0027%; no homozygotes.

Submissions (2):

GeneDx
Classification: Uncertain significance. Last evaluated: 2023-08-10. Review status: criteria provided, single submitter. Criteria: GeneDx Variant Classification Process June 2021. Collection method: clinical testing. Allele origin: germline. Affected: yes.
Comment: Has not been previously published as pathogenic or benign to our knowledge; Not observed at significant frequency in large population cohorts (gnomAD); In silico analysis supports that this missense variant has a deleterious effect on protein structure/function

Revvity Omics, Revvity
Classification: Uncertain significance. Last evaluated: 2020-07-21. Review status: criteria provided, single submitter. Criteria: ACMG Guidelines, 2015. Collection method: clinical testing. Allele origin: germline.

NM_000501.4(ELN):c.1523G>A (p.Gly508Asp)

Genes: ELN (elastin; plus strand), ELN-AS1 (ELN antisense RNA 1; minus strand). Cytogenetic location: 7q11.23.
Variant type: single nucleotide variant.
Coding change: c.1523G>A on transcript NM_000501.4 (MANE Select); coding-DNA position 1523, G replaced by A.
Protein change: p.Gly508Asp; replaces glycine 508 with aspartic acid.
Molecular consequence: missense variant.
Genome position (GRCh38, 1-based): chr7:74,059,994, G>A. VCF-style: chr7-74059994-G-A. GRCh37 (hg19) VCF-style: chr7-73474324-G-A.
Other names: c.1610G>A (NM_001278939.1); c.1436G>A, p.Gly479Asp (NM_001081752.3); c.1481G>A, p.Gly494Asp (NM_001081753.3); c.1538G>A, p.Gly513Asp (NM_001081754.3); c.1466G>A, p.Gly489Asp (NM_001081755.3); c.1523G>A, p.Gly508Asp (NM_001278912.2); c.1280G>A, p.Gly427Asp (NM_001278913.2); c.1451G>A, p.Gly484Asp (NM_001278914.2); and 5 more; short protein forms G419D, G427D, G475D, G479D, G484D, G489D, G494D, G498D.
Identifiers: ClinVar variation 1700362 (VCV001700362.6), dbSNP rs782398725, ClinGen allele CA4293084.
Genomic context (GRCh38, chr7:74,059,994, plus strand): 5'-GTGTCGGTGTGGCTCCTGGAGTTGGCTTGGCTCCTGGAGTTGGCGTGGCTCCTGGAGTTG[G>A]TGTGGCTCCTGGCGTTGGCGTGGCTCCCGGCATTGGCCCTGGTGGAGTTGCAGGTGAGTT-3'
Protein context (NP_000492.2, residues 498-518): APGVGVAPGV[Gly508Asp]VAPGVGVAPG